The following is an entry in ClinVar:

ClinVar aggregate classification (germline): Likely benign. Review status: criteria provided, multiple submitters, no conflicts (2 of 4 stars). 2 submissions from 2 submitters: Likely benign (2). Last evaluated 2026-03-01.

Conditions:
KCNC2-related disorder.

gnomAD v4.1: 844 of 1,612,752 alleles (0.052%); highest among the groups gnomAD compares: African/African-American, 0.94%; 2 homozygotes.

Submissions (2):

CeGaT Center for Human Genetics Tuebingen
Classification: Likely benign. Last evaluated: 2026-03-01. Review status: criteria provided, single submitter. Criteria: CeGaT Center For Human Genetics Tuebingen Variant Classification Criteria Version 2. Collection method: clinical testing. Allele origin: germline. Affected: yes. Observed: 1 variant allele.
Comment: KCNC2: BP4, BP7

PreventionGenetics, part of Exact Sciences
Classification: Likely benign for KCNC2-related condition. Last evaluated: 2024-11-09. Review status: criteria provided, single submitter. Criteria: ACMG Guidelines, 2015. Collection method: clinical testing. Allele origin: germline.
Comment: This variant is classified as likely benign based on ACMG/AMP sequence variant interpretation guidelines (Richards et al. 2015 PMID: 25741868, with internal and published modifications).

NM_139137.4(KCNC2):c.90T>C (p.Pro30=)

Gene: KCNC2 (potassium voltage-gated channel subfamily C member 2; minus strand). Cytogenetic location: 12q21.1.
Variant type: single nucleotide variant.
Coding change: c.90T>C on transcript NM_139137.4 (MANE Select); coding-DNA position 90, T replaced by C.
Protein change: p.Pro30=; no amino-acid change (proline 30 retained).
Molecular consequence: synonymous variant. On other transcripts: non-coding transcript variant (2).
Genome position (GRCh38, 1-based): chr12:75,207,894, A>G on the plus strand (T>C on the coding strand, the complement: KCNC2 is on the minus strand). VCF-style: chr12-75207894-A-G. GRCh37 (hg19) VCF-style: chr12-75601674-A-G.
Other names: c.90T>C, p.Pro30= (NM_001260497.2, NM_001260498.2, NM_001260499.2 and 13 more transcripts); c.90T>C (NM_139137.3).
Identifiers: ClinVar variation 4820874 (VCV004820874.5).